The following is an entry in ClinVar:

NM_005612.5(REST):c.151A>G (p.Asn51Asp)

Gene: REST (RE1 silencing transcription factor; plus strand). Cytogenetic location: 4q12.
Variant type: single nucleotide variant.
Coding change: c.151A>G on transcript NM_005612.5 (MANE Select); coding-DNA position 151, A replaced by G.
Protein change: p.Asn51Asp; replaces asparagine 51 with aspartic acid.
Molecular consequence: missense variant.
Genome position (GRCh38, 1-based): chr4:56,910,789, A>G. VCF-style: chr4-56910789-A-G. GRCh37 (hg19) VCF-style: chr4-57776955-A-G.
Other names: c.151A>G, p.Asn51Asp (NM_001193508.2, NM_001363453.3); short protein forms N51D.
Identifiers: ClinVar variation 2780471 (VCV002780471.3), dbSNP rs2475797737, ClinGen allele CA357002975.
Genomic context (GRCh38, chr4:56,910,789, plus strand): 5'-TATGACTTGCATGACCTTTCCAAAGCTGAACTGGCCGCACCTCAGCTTATTATGCTGGCA[A>G]ATGTGGCCTTAACTGGGGAAGTAAATGGCAGCTGCTGTGATTACCTGGTCGGTGAAGAAA-3'
Protein context (NP_005603.3, residues 41-61): LAAPQLIMLA[Asn51Asp]VALTGEVNGS

ClinVar aggregate classification (germline): Uncertain significance (1 of 4 stars; one submission).

gnomAD v4.1: 1 of 1,614,152 alleles (0.000062%); no homozygotes.

Submission:

Labcorp Genetics (formerly Invitae), Labcorp
Classification: Uncertain significance. Last evaluated: 2022-11-08. Review status: criteria provided, single submitter. Criteria: Invitae Variant Classification Sherloc (09022015). Collection method: clinical testing. Allele origin: germline.
Comment: In summary, the available evidence is currently insufficient to determine the role of this variant in disease. Therefore, it has been classified as a Variant of Uncertain Significance. Algorithms developed to predict the effect of missense changes on protein structure and function are either unavailable or do not agree on the potential impact of this missense change (SIFT: "Deleterious"; PolyPhen-2: "Probably Damaging"; Align-GVGD: "Class C0"). This variant has not been reported in the literature in individuals affected with REST-related conditions. This variant is not present in population databases (gnomAD no frequency). This sequence change replaces asparagine, which is neutral and polar, with aspartic acid, which is acidic and polar, at codon 51 of the REST protein (p.Asn51Asp).